The following is an entry in ClinVar:

ClinVar aggregate classification (germline): Uncertain significance (1 of 4 stars; one submission).

Allele frequency attached by ClinVar (database versions not stated): TOPMed below 0.00001.

Submission:

Labcorp Genetics (formerly Invitae), Labcorp
Classification: Uncertain significance. Last evaluated: 2023-06-20. Review status: criteria provided, single submitter. Criteria: Invitae Variant Classification Sherloc (09022015). Collection method: clinical testing. Allele origin: germline.
Comment: In summary, the available evidence is currently insufficient to determine the role of this variant in disease. Therefore, it has been classified as a Variant of Uncertain Significance. Advanced modeling of protein sequence and biophysical properties (such as structural, functional, and spatial information, amino acid conservation, physicochemical variation, residue mobility, and thermodynamic stability) performed at Invitae indicates that this missense variant is not expected to disrupt MYH9 protein function. This variant has not been reported in the literature in individuals affected with MYH9-related conditions. This variant is not present in population databases (gnomAD no frequency). This sequence change replaces lysine, which is basic and polar, with asparagine, which is neutral and polar, at codon 938 of the MYH9 protein (p.Lys938Asn).

NM_002473.6(MYH9):c.2814G>C (p.Lys938Asn)

Genes: MYH9 (myosin heavy chain 9; minus strand), LOC126863137 (CDK7 strongly-dependent group 2 enhancer GRCh37_chr22:36696002-36697201; plus strand). Cytogenetic location: 22q12.3.
Variant type: single nucleotide variant.
Coding change: c.2814G>C on transcript NM_002473.6 (MANE Select); coding-DNA position 2814, G replaced by C.
Protein change: p.Lys938Asn; replaces lysine 938 with asparagine.
Molecular consequence: missense variant.
Genome position (GRCh38, 1-based): chr22:36,300,875, C>G on the plus strand (G>C on the coding strand, the complement: MYH9 is on the minus strand). VCF-style: chr22-36300875-C-G. GRCh37 (hg19) VCF-style: chr22-36696921-C-G.
Other names: short protein forms K938N.
Identifiers: ClinVar variation 2790885 (VCV002790885.3), dbSNP rs748364634, ClinGen allele CA411392714.